The following is an entry in ClinVar:

ClinVar aggregate classification (germline): Uncertain significance. Review status: criteria provided, multiple submitters, no conflicts (2 of 4 stars). 2 submissions from 2 submitters: Uncertain significance (2). Last evaluated 2025-08-29.

Conditions:
Inborn genetic diseases. Identifiers: MedGen C0950123, MeSH D030342.

Allele frequency attached by ClinVar (database versions not stated): TOPMed 0.00003; gnomAD exomes 0.00005; ExAC 0.00006; gnomAD 0.00007.
gnomAD v4.1: 78 of 1,602,638 alleles (0.0049%); highest among the groups gnomAD compares: Non-Finnish European, 0.0064%; no homozygotes.

Submissions (2):

Ambry Genetics
Classification: Uncertain significance for Inborn genetic diseases. Last evaluated: 2025-08-29. Review status: criteria provided, single submitter. Criteria: Ambry Variant Classification Scheme 2023. Collection method: clinical testing. Allele origin: germline.

Labcorp Genetics (formerly Invitae), Labcorp
Classification: Uncertain significance. Last evaluated: 2024-07-03. Review status: criteria provided, single submitter. Criteria: Invitae Variant Classification Sherloc (09022015). Collection method: clinical testing. Allele origin: germline.
Comment: This sequence change replaces proline, which is neutral and non-polar, with arginine, which is basic and polar, at codon 1108 of the PTPN23 protein (p.Pro1108Arg). This variant is present in population databases (rs770571270, gnomAD 0.009%). This variant has not been reported in the literature in individuals affected with PTPN23-related conditions. ClinVar contains an entry for this variant (Variation ID: 1361325). An algorithm developed to predict the effect of missense changes on protein structure and function (PolyPhen-2) suggests that this variant¬†is likely to be tolerated. In summary, the available evidence is currently insufficient to determine the role of this variant in disease. Therefore, it has been classified as a Variant of Uncertain Significance.

NM_015466.4(PTPN23):c.3323C>G (p.Pro1108Arg)

Gene: PTPN23 (protein tyrosine phosphatase non-receptor type 23; plus strand). Cytogenetic location: 3p21.31.
Variant type: single nucleotide variant.
Coding change: c.3323C>G on transcript NM_015466.4 (MANE Select); coding-DNA position 3323, C replaced by G.
Protein change: p.Pro1108Arg; replaces proline 1108 with arginine.
Molecular consequence: missense variant.
Genome position (GRCh38, 1-based): chr3:47,411,121, C>G. VCF-style: chr3-47411121-C-G. GRCh37 (hg19) VCF-style: chr3-47452611-C-G.
Other names: c.2945C>G, p.Pro982Arg (NM_001304482.2); c.3323C>G (NM_015466.2); short protein forms P1108R, P982R.
Identifiers: ClinVar variation 1361325 (VCV001361325.7), dbSNP rs770571270, ClinGen allele CA2366251.